The following is an entry in ClinVar:

ClinVar aggregate classification (germline): Pathogenic/Likely pathogenic. Review status: criteria provided, multiple submitters, no conflicts (2 of 4 stars). 4 submissions from 4 submitters: Pathogenic (1); Likely pathogenic (2). 1 of the submissions does not count toward it. Last evaluated 2024-12-20.

Conditions:
Joubert syndrome. Also called: CEREBELLOPARENCHYMAL DISORDER IV; JOUBERT-BOLTSHAUSER SYNDROME; Familial aplasia of the vermis. Identifiers: Orphanet 475, MedGen C5979921, MONDO:0018772.
Nephronophthisis. Also called: Juvenile Nephronophthisis. Identifiers: Orphanet 655, MedGen C0687120, MONDO:0019005, HP:0000090.
Meckel-Gruber syndrome. Also called: DYSENCEPHALIA SPLANCHNOCYSTICA; GRUBER SYNDROME; Dysencephalia splachnocystica. Identifiers: Orphanet 564, MedGen C0265215, MONDO:0018921.
Leber congenital amaurosis (LCA). Also called: Leber's amaurosis. Identifiers: Orphanet 65, MedGen C0339527, MeSH D057130, MONDO:0018998.
CEP290-related disorder. Also called: CEP290-related condition; CEP290-related disorders. Identifiers: MedGen CN239314.
Bardet-Biedl syndrome 14 (BBS14). Identifiers: Orphanet 110, MedGen C2673874, MONDO:0014442, OMIM 615991.

Submissions (4):

Natera, Inc.
Classification: Likely pathogenic for Leber congenital amaurosis. Last evaluated: 2024-12-20. Review status: criteria provided, single submitter. Criteria: Natera Variant Classification Schema (03/2026). Collection method: clinical testing. Allele origin: germline.
Comment: The c.3917del variant in CEP290 is a frameshift variant predicted to shift the reading frame beginning at codon 1306 and leads to a stop codon 18 codons downstream. This variant is expected to result in nonsense mediated decay, truncation, or a dysfunctional protein product. This variant is rare in the general population with a frequency below the threshold expected for the associated phenotype(s). Given the available evidence, this variant is classified as Likely Pathogenic.

Labcorp Genetics (formerly Invitae), Labcorp
Classification: Pathogenic for Joubert syndrome; Meckel-Gruber syndrome; Nephronophthisis. Last evaluated: 2024-01-08. Review status: criteria provided, single submitter. Criteria: Invitae Variant Classification Sherloc (09022015). Collection method: clinical testing. Allele origin: germline.
Comment: This sequence change creates a premature translational stop signal (p.Asn1306Ilefs*18) in the CEP290 gene. It is expected to result in an absent or disrupted protein product. Loss-of-function variants in CEP290 are known to be pathogenic (PMID: 16909394, 17345604, 20690115). This variant is not present in population databases (gnomAD no frequency). This variant has not been reported in the literature in individuals affected with CEP290-related conditions. ClinVar contains an entry for this variant (Variation ID: 2178323). For these reasons, this variant has been classified as Pathogenic.

Baylor Genetics
Classification: Likely pathogenic for Bardet-Biedl syndrome 14. Last evaluated: 2023-05-17. Review status: criteria provided, single submitter. Criteria: ACMG Guidelines, 2015. Collection method: clinical testing. Allele origin: unknown.

PreventionGenetics, part of Exact Sciences
Classification: Likely pathogenic for CEP290-related condition. Last evaluated: 2024-03-13. Review status: no assertion criteria provided. Collection method: clinical testing. Allele origin: germline. Not counted in ClinVar's aggregate classification.
Comment: The CEP290 c.3917delA variant is predicted to result in a frameshift and premature protein termination (p.Asn1306Ilefs*18). To our knowledge, this variant has not been reported in the literature or in a large population database, indicating this variant is rare. Frameshift variants in CEP290 are expected to be pathogenic. This variant is interpreted as likely pathogenic.

Literature cited by the submitters: PubMed 16909394 (cited by Labcorp Genetics (formerly Invitae), Labcorp); PubMed 17345604 (cited by Labcorp Genetics (formerly Invitae), Labcorp); PubMed 20690115 (cited by Labcorp Genetics (formerly Invitae), Labcorp).

NM_025114.4(CEP290):c.3917del (p.Asn1306fs)

Gene: CEP290 (centrosomal protein 290; minus strand). Cytogenetic location: 12q21.32.
Variant type: Deletion.
Coding change: c.3917del on transcript NM_025114.4 (MANE Select); coding-DNA position 3917, one base deleted (A; older notation c.3917delA).
Protein change: p.Asn1306fs; shifts the reading frame from asparagine 1306.
Molecular consequence: frameshift variant.
Genome position (GRCh38, 1-based): chr12:88,089,144, T deleted on the plus strand (A on the coding strand, the reverse complement: CEP290 is on the minus strand); the first of 5 consecutive T bases (chr12:88,089,144-88,089,148); deleting any one gives the same sequence. VCF-style (leftmost placement, unchanged base first): chr12-88089143-AT-A. GRCh37 (hg19) VCF-style: chr12-88482920-AT-A.
Other names: c.3917delA (NM_025114.3); c.3917del (NM_025114.3); short protein forms N1306fs.
Identifiers: ClinVar variation 2178323 (VCV002178323.7), dbSNP rs2036817502, ClinGen allele CA2052918384.